The following is an entry in ClinVar:

NM_024577.4(SH3TC2):c.1040G>C (p.Cys347Ser)

Gene: SH3TC2 (SH3 domain and tetratricopeptide repeats 2; minus strand). Cytogenetic location: 5q32.
Variant type: single nucleotide variant.
Coding change: c.1040G>C on transcript NM_024577.4 (MANE Select); coding-DNA position 1040, G replaced by C.
Protein change: p.Cys347Ser; replaces cysteine 347 with serine.
Molecular consequence: missense variant.
Genome position (GRCh38, 1-based): chr5:149,031,649, C>G on the plus strand (G>C on the coding strand, the complement: SH3TC2 is on the minus strand). VCF-style: chr5-149031649-C-G. GRCh37 (hg19) VCF-style: chr5-148411212-C-G.
Other names: short protein forms C347S.
Identifiers: ClinVar variation 580897 (VCV000580897.8), dbSNP rs1271507097, ClinGen allele CA361670459.

ClinVar aggregate classification (germline): Uncertain significance (1 of 4 stars; one submission).

Conditions:
Charcot-Marie-Tooth disease type 4. Also called: Charcot-Marie-Tooth, Type 4; Charcot-Marie-Tooth disease, type IV. Identifiers: Orphanet 64749, MedGen C4082197, MONDO:0018995.

Submission:

Labcorp Genetics (formerly Invitae), Labcorp
Classification: Uncertain significance for Charcot-Marie-Tooth disease type 4. Last evaluated: 2020-02-14. Review status: criteria provided, single submitter. Criteria: Invitae Variant Classification Sherloc (09022015). Collection method: clinical testing. Allele origin: germline.
Comment: In summary, the available evidence is currently insufficient to determine the role of this variant in disease. Therefore, it has been classified as a Variant of Uncertain Significance. This sequence change replaces cysteine with serine at codon 347 of the SH3TC2 protein (p.Cys347Ser). The cysteine residue is moderately conserved and there is a moderate physicochemical difference between cysteine and serine. This variant is not present in population databases (ExAC no frequency). This variant has not been reported in the literature in individuals with SH3TC2-related disease. Algorithms developed to predict the effect of missense changes on protein structure and function (SIFT, PolyPhen-2, Align-GVGD) all suggest that this variant is likely to be tolerated, but these predictions have not been confirmed by published functional studies and their clinical significance is uncertain.